The following is an entry in ClinVar:

ClinVar aggregate classification (germline): Uncertain significance (1 of 4 stars; one submission).

Conditions:
Hereditary sensory and autonomic neuropathy type 6. Also called: HSAN VI; Neuropathy, hereditary sensory and autonomic, type VI. Identifiers: Orphanet 314381, MedGen C3539003, MONDO:0013839, OMIM 614653.
Epidermolysis bullosa simplex 3, localized or generalized intermediate, with BP230 deficiency (EBS3). Also called: Epidermolysis bullosa simplex due to BP230 deficiency; Epidermolysis bullosa simplex, autosomal recessive 2. Identifiers: Orphanet 412181, MedGen C3809470, MONDO:0014180, OMIM 615425.

Allele frequency attached by ClinVar (database versions not stated): gnomAD exomes below 0.00001; ExAC 0.00002.
gnomAD v4.1: 3 of 1,614,002 alleles (0.00019%); highest among the groups gnomAD compares: South Asian, 0.0033%; no homozygotes.

Submission:

Labcorp Genetics (formerly Invitae), Labcorp
Classification: Uncertain significance for Epidermolysis bullosa simplex 3, localized or generalized intermediate, with BP230 deficiency; Hereditary sensory and autonomic neuropathy type 6. Last evaluated: 2023-03-23. Review status: criteria provided, single submitter. Criteria: Invitae Variant Classification Sherloc (09022015). Collection method: clinical testing. Allele origin: germline.
Comment: The DST gene has multiple clinically relevant transcripts. This variant occurs in alternate transcript NM_015548.4, and corresponds to NM_001723.5:c.*62592T>A in the primary transcript. This sequence change affects codon 2666 of the DST mRNA. It is a 'silent' change, meaning that it does not change the encoded amino acid sequence of the DST protein. This variant is present in population databases (rs756284717, gnomAD 0.006%). This variant has not been reported in the literature in individuals affected with DST-related conditions. Experimental studies and prediction algorithms are not available or were not evaluated, and the effect of this variant on mRNA splicing is currently unknown. In summary, the available evidence is currently insufficient to determine the role of this variant in disease. Therefore, it has been classified as a Variant of Uncertain Significance.

NM_001374736.1(DST):c.15867T>A (p.Leu5289=)

Gene: DST (dystonin; minus strand). Cytogenetic location: 6p12.1.
Variant type: single nucleotide variant.
Coding change: c.15867T>A on transcript NM_001374736.1 (MANE Select); coding-DNA position 15867, T replaced by A.
Protein change: p.Leu5289=; no amino-acid change (leucine 5289 retained).
Molecular consequence: synonymous variant.
Genome position (GRCh38, 1-based): chr6:56,552,925, A>T on the plus strand (T>A on the coding strand, the complement: DST is on the minus strand). VCF-style: chr6-56552925-A-T. GRCh37 (hg19) VCF-style: chr6-56417723-A-T.
Other names: c.9510T>A, p.Leu3170= (NM_001144769.5); c.9096T>A, p.Leu3032= (NM_001144770.2); c.15867T>A, p.Leu5289= (NM_001374722.1); c.15234T>A, p.Leu5078= (NM_001374729.1); c.8976T>A, p.Leu2992= (NM_001374730.1, NM_001386100.1, NM_183380.4); c.15894T>A, p.Leu5298= (NM_001374734.1); c.7998T>A, p.Leu2666= (NM_015548.5).
Identifiers: ClinVar variation 2945713 (VCV002945713.3), dbSNP rs756284717, ClinGen allele CA3867763.